The following is an entry in ClinVar:

NM_002755.4(MAP2K1):c.1157C>T (p.Thr386Ile)

Genes: MAP2K1 (mitogen-activated protein kinase kinase 1; plus strand), SNAPC5 (small nuclear RNA activating complex polypeptide 5; minus strand). Cytogenetic location: 15q22.31.
Variant type: single nucleotide variant.
Coding change: c.1157C>T on transcript NM_002755.4 (MANE Select); coding-DNA position 1157, C replaced by T.
Protein change: p.Thr386Ile; replaces threonine 386 with isoleucine.
Molecular consequence: missense variant. On other transcripts: 3 prime UTR variant (1), non-coding transcript variant (1).
Genome position (GRCh38, 1-based): chr15:66,490,590, C>T. VCF-style: chr15-66490590-C-T. GRCh37 (hg19) VCF-style: chr15-66782928-C-T.
Other names: c.*149G>A (NM_006049.4); c.1013C>T, p.Thr338Ile (NM_001411065.1); short protein forms T338I, T386I.
Identifiers: ClinVar variation 2884338 (VCV002884338.3), dbSNP rs2140687090, ClinGen allele CA392939160.
Genomic context (GRCh38, chr15:66,490,590, plus strand): 5'-CTGAGGAAGTGGATTTTGCAGGTTGGCTCTGCTCCACCATCGGCCTTAACCAGCCCAGCA[C>T]ACCAACCCATGCTGCTGGCGTCTAAGTGTTTGGGAAGCAACAAAGAGCGAGTCCCCTGCC-3'
Protein context (NP_002746.1, residues 376-393): CSTIGLNQPS[Thr386Ile]PTHAAGV

ClinVar aggregate classification (germline): Uncertain significance (1 of 4 stars; one submission).

Conditions:
RASopathy. Also called: Noonan spectrum disorder; rasopathies. Identifiers: Orphanet 536391, MedGen C5555857, MONDO:0021060.

Submission:

Labcorp Genetics (formerly Invitae), Labcorp
Classification: Uncertain significance for RASopathy. Last evaluated: 2024-03-13. Review status: criteria provided, single submitter. Criteria: Invitae Variant Classification Sherloc (09022015). Collection method: clinical testing. Allele origin: germline.
Comment: This sequence change replaces threonine, which is neutral and polar, with isoleucine, which is neutral and non-polar, at codon 386 of the MAP2K1 protein (p.Thr386Ile). This variant is not present in population databases (gnomAD no frequency). This variant has not been reported in the literature in individuals affected with MAP2K1-related conditions. Advanced modeling of protein sequence and biophysical properties (such as structural, functional, and spatial information, amino acid conservation, physicochemical variation, residue mobility, and thermodynamic stability) performed at Invitae indicates that this missense variant is expected to disrupt MAP2K1 protein function with a positive predictive value of 95%. In summary, the available evidence is currently insufficient to determine the role of this variant in disease. Therefore, it has been classified as a Variant of Uncertain Significance.